The following is an entry in ClinVar:

ClinVar aggregate classification (germline): Likely benign. Review status: criteria provided, multiple submitters, no conflicts (2 of 4 stars). 3 submissions from 3 submitters: Likely benign (3). Last evaluated 2026-02-01.

Conditions:
Hereditary cancer-predisposing syndrome. Also called: Neoplastic Syndromes, Hereditary; Tumor predisposition; Hereditary neoplastic syndrome; Hereditary Cancer Syndrome. Identifiers: Orphanet 140162, MedGen C0027672, MeSH D009386, MONDO:0015356.
Familial meningioma. Also called: Meningioma, familial, susceptibility to. Identifiers: Orphanet 263662, MedGen C3551915, MONDO:0011789, OMIM 607174.

Submissions (3):

CeGaT Center for Human Genetics Tuebingen
Classification: Likely benign. Last evaluated: 2026-02-01. Review status: criteria provided, single submitter. Criteria: CeGaT Center For Human Genetics Tuebingen Variant Classification Criteria Version 2. Collection method: clinical testing. Allele origin: germline. Affected: yes. Observed: 2 variant alleles.
Comment: SMARCE1: PM2:Supporting, BP4, BP7

Labcorp Genetics (formerly Invitae), Labcorp
Classification: Likely benign for Familial meningioma. Last evaluated: 2025-06-18. Review status: criteria provided, single submitter. Criteria: Invitae Variant Classification Sherloc (09022015). Collection method: clinical testing. Allele origin: germline.

Ambry Genetics
Classification: Likely benign for Hereditary cancer-predisposing syndrome. Last evaluated: 2022-04-05. Review status: criteria provided, single submitter. Criteria: Ambry Variant Classification Scheme 2023. Collection method: clinical testing. Allele origin: germline.

NM_003079.5(SMARCE1):c.483A>G (p.Gln161=)

Gene: SMARCE1 (SWI/SNF related BAF chromatin remodeling complex subunit E1; minus strand). Cytogenetic location: 17q21.2.
Variant type: single nucleotide variant.
Coding change: c.483A>G on transcript NM_003079.5 (MANE Select); coding-DNA position 483, A replaced by G.
Protein change: p.Gln161=; no amino-acid change (glutamine 161 retained).
Molecular consequence: synonymous variant.
Genome position (GRCh38, 1-based): chr17:40,635,989, T>C on the plus strand (A>G on the coding strand, the complement: SMARCE1 is on the minus strand). VCF-style: chr17-40635989-T-C. GRCh37 (hg19) VCF-style: chr17-38792241-T-C.
Identifiers: ClinVar variation 1106961 (VCV001106961.35), dbSNP rs1282104211, ClinGen allele CA499964308.